The following is an entry in ClinVar:

ClinVar aggregate classification (germline): Pathogenic (1 of 4 stars; one submission).

Conditions:
Hypophosphatasia. Also called: Phosphoethanol-aminuria. Identifiers: Orphanet 436, MedGen C0020630, MeSH D007014, MONDO:0018570.

Submission:

Myriad Genetics, Inc.
Classification: Pathogenic for Hypophosphatasia. Last evaluated: 2026-04-23. Review status: criteria provided, single submitter. Criteria: Myriad Autosomal Dominant, Autosomal Recessive and X-Linked Classification Criteria (2023). Collection method: clinical testing. Allele origin: unknown.
Comment: NM_000478.4(ALPL):c.100dupC(Q34Pfs*19) is a frameshift variant classified as pathogenic in the context of hypophosphatasia. Q34Pfs*19 has not been observed in cases with relevant disease. Relevant functional assessments of this variant are not available in the literature. Q34Pfs*19 has not been observed in referenced population frequency databases. In summary, NM_000478.4(ALPL):c.100dupC(Q34Pfs*19) is a frameshift variant in a gene where loss of function is a known mechanism of disease and is predicted to disrupt protein function. Please note: this variant was assessed in the context of healthy population screening.

NM_000478.6(ALPL):c.100dup (p.Gln34fs)

Gene: ALPL (alkaline phosphatase, biomineralization associated; plus strand). Cytogenetic location: 1p36.12.
Variant type: Duplication.
Coding change: c.100dup on transcript NM_000478.6 (MANE Select); coding-DNA position 100, one base duplicated (C; older notation c.100dupC).
Protein change: p.Gln34fs; shifts the reading frame from glutamine 34.
Molecular consequence: frameshift variant. On other transcripts: 5 prime UTR variant (2).
Genome position (GRCh38, 1-based): chr1:21,560,664, C duplicated. VCF-style (leftmost placement, unchanged base first): chr1-21560663-G-GC. GRCh37 (hg19) VCF-style: chr1-21887156-G-GC.
Other names: c.-66dup (NM_001127501.4); c.-16dup (NM_001177520.3); c.100dup, p.Gln34fs (NM_001369803.2, NM_001369804.2, NM_001369805.2); short protein forms Q34fs.
Identifiers: ClinVar variation 5004622 (VCV005004622.1).